The following is an entry in ClinVar:

ClinVar aggregate classification (germline): Uncertain significance. Review status: criteria provided, multiple submitters, no conflicts (2 of 4 stars). 3 submissions from 3 submitters: Uncertain significance (3). Last evaluated 2025-07-16.

Conditions:
Inborn genetic diseases. Identifiers: MedGen C0950123, MeSH D030342.

Allele frequency attached by ClinVar (database versions not stated): gnomAD exomes below 0.00001; TOPMed 0.00001.
gnomAD v4.1: 1 of 1,614,022 alleles (0.000062%); highest among the groups gnomAD compares: East Asian, 0.0022%; no homozygotes.

Submissions (3):

Ambry Genetics
Classification: Uncertain significance for Inborn genetic diseases. Last evaluated: 2025-07-16. Review status: criteria provided, single submitter. Criteria: Ambry Variant Classification Scheme 2023. Collection method: clinical testing. Allele origin: germline.

Blueprint Genetics
Classification: Uncertain significance. Last evaluated: 2023-04-28. Review status: criteria provided, single submitter. Criteria: ACMG Guidelines, 2015. Collection method: clinical testing. Allele origin: germline.

GeneDx
Classification: Uncertain significance. Last evaluated: 2021-01-07. Review status: criteria provided, single submitter. Criteria: GeneDx Variant Classification Process June 2021. Collection method: clinical testing. Allele origin: germline. Affected: yes.
Comment: Not observed in large population cohorts (Lek et al., 2016); In silico analysis supports that this missense variant does not alter protein structure/function; Has not been previously published as pathogenic or benign to our knowledge

NM_001170629.2(CHD8):c.5327G>A (p.Arg1776Gln)

Gene: CHD8 (chromodomain helicase DNA binding protein 8; minus strand). Cytogenetic location: 14q11.2.
Variant type: single nucleotide variant.
Coding change: c.5327G>A on transcript NM_001170629.2 (MANE Select); coding-DNA position 5327, G replaced by A.
Protein change: p.Arg1776Gln; replaces arginine 1776 with glutamine.
Molecular consequence: missense variant.
Genome position (GRCh38, 1-based): chr14:21,394,975, C>T on the plus strand (G>A on the coding strand, the complement: CHD8 is on the minus strand). VCF-style: chr14-21394975-C-T. GRCh37 (hg19) VCF-style: chr14-21863134-C-T.
Other names: c.4490G>A, p.Arg1497Gln (NM_020920.4); short protein forms R1497Q, R1776Q.
Identifiers: ClinVar variation 1302403 (VCV001302403.4), dbSNP rs1887714118, ClinGen allele CA388884009.
Genomic context (GRCh38, chr14:21,394,975, plus strand): 5'-TGTTGTTTCTCCCGCCGTGCAATTTCTTTCAGCTTGAAGGCTGCTTCACAACGCCGCCTT[C>T]GCCGGTCCCCACGTTCTGCAGCCTCTATCTTCATTTGTTCTCTCTTGTAGCTGCGCTGAT-3'
Protein context (NP_001164100.1, residues 1766-1786): KIEAAERGDR[Arg1776Gln]RRRCEAAFKL